The following is an entry in ClinVar:

ClinVar aggregate classification (germline): Likely benign. Review status: criteria provided, single submitter (1 of 4 stars). 2 submissions from 2 submitters: Likely benign (1). 1 of the submissions does not count toward it. Last evaluated 2026-01-27.

Conditions:
GREB1L-related disorder. Also called: GREB1L-related condition.

Allele frequency attached by ClinVar (database versions not stated): ExAC 0.00091; TOPMed 0.00009; gnomAD 0.00013; ESP Exome Variant Server 0.00022; 1000 Genomes Project 30x 0.00062; gnomAD exomes 0.00018; 1000 Genomes Project 0.00080.

Submissions (2):

Labcorp Genetics (formerly Invitae), Labcorp
Classification: Likely benign. Last evaluated: 2026-01-27. Review status: criteria provided, single submitter. Criteria: Invitae Variant Classification Sherloc (09022015). Collection method: clinical testing. Allele origin: germline.

PreventionGenetics, part of Exact Sciences
Classification: Likely benign for GREB1L-related condition. Last evaluated: 2021-09-01. Review status: no assertion criteria provided. Collection method: clinical testing. Allele origin: germline. Not counted in ClinVar's aggregate classification.
Comment: This variant is classified as likely benign based on ACMG/AMP sequence variant interpretation guidelines (Richards et al. 2015 PMID: 25741868, with internal and published modifications).

NM_001142966.3(GREB1L):c.3578T>C (p.Met1193Thr)

Gene: GREB1L (GREB1 like retinoic acid receptor coactivator; plus strand). Cytogenetic location: 18q11.1.
Variant type: single nucleotide variant.
Coding change: c.3578T>C on transcript NM_001142966.3 (MANE Select); coding-DNA position 3578, T replaced by C.
Protein change: p.Met1193Thr; replaces methionine 1193 with threonine.
Molecular consequence: missense variant.
Genome position (GRCh38, 1-based): chr18:21,499,915, T>C. VCF-style: chr18-21499915-T-C. GRCh37 (hg19) VCF-style: chr18-19079876-T-C.
Other names: c.3578T>C (NM_001142966.1); c.3707T>C, p.Met1236Thr (NM_001410867.1); c.3251T>C, p.Met1084Thr (NM_001410868.1); short protein forms M1193T, M1236T, M1084T.
Identifiers: ClinVar variation 2718660 (VCV002718660.5), dbSNP rs368317035, ClinGen allele CA8906596.